The following is an entry in ClinVar:

NM_006904.7(PRKDC):c.5613G>A (p.Met1871Ile)

Gene: PRKDC (protein kinase, DNA-activated, catalytic subunit; minus strand). Cytogenetic location: 8q11.21.
Variant type: single nucleotide variant.
Coding change: c.5613G>A on transcript NM_006904.7 (MANE Select); coding-DNA position 5613, G replaced by A.
Protein change: p.Met1871Ile; replaces methionine 1871 with isoleucine.
Molecular consequence: missense variant.
Genome position (GRCh38, 1-based): chr8:47,863,536, C>T on the plus strand (G>A on the coding strand, the complement: PRKDC is on the minus strand). VCF-style: chr8-47863536-C-T. GRCh37 (hg19) VCF-style: chr8-48776097-C-T.
Other names: c.5613G>A, p.Met1871Ile (NM_001081640.2); short protein forms M1871I.
Identifiers: ClinVar variation 2564549 (VCV002564549.2), dbSNP rs1308859405, ClinGen allele CA371163165.

ClinVar aggregate classification (germline): Uncertain significance (1 of 4 stars; one submission).

Allele frequency attached by ClinVar (database versions not stated): gnomAD exomes below 0.00001.

Submission:

Ambry Genetics
Classification: Uncertain significance. Last evaluated: 2023-05-07. Review status: criteria provided, single submitter. Criteria: Ambry Variant Classification Scheme 2023. Collection method: clinical testing. Allele origin: germline.
Comment: The p.M1871I variant (also known as c.5613G>A), located in coding exon 42 of the PRKDC gene, results from a G to A substitution at nucleotide position 5613. The methionine at codon 1871 is replaced by isoleucine, an amino acid with highly similar properties. This amino acid position is conserved. In addition, this alteration is predicted to be tolerated by in silico analysis. Since supporting evidence is limited at this time, the clinical significance of this alteration remains unclear.